The following is an entry in ClinVar:

ClinVar aggregate classification (germline): Conflicting classifications of pathogenicity. Review status: criteria provided, conflicting classifications (1 of 4 stars). 5 submissions from 5 submitters: Uncertain significance (3); Benign (1); Likely benign (1). Last evaluated 2025-12-22.

Conditions:
Adenylosuccinate lyase deficiency (ADSLD). Also called: ADSL DEFICIENCY. Identifiers: Orphanet 46, MedGen C0268126, MONDO:0007068, OMIM 103050.

Allele frequency attached by ClinVar (database versions not stated): gnomAD 0.00015 and 0.00017; TOPMed 0.00020; ESP Exome Variant Server 0.00023; 1000 Genomes Project 30x 0.00031; ExAC 0.00031; gnomAD exomes 0.00033; 1000 Genomes Project 0.00040.
gnomAD v4.1: 257 of 1,612,396 alleles (0.016%); highest among the groups gnomAD compares: South Asian, 0.087%; 1 homozygote.

Submissions (6):

Labcorp Genetics (formerly Invitae), Labcorp
Classification: Likely benign for Adenylosuccinate lyase deficiency. Last evaluated: 2025-12-22. Review status: criteria provided, single submitter. Criteria: Invitae Variant Classification Sherloc (09022015). Collection method: clinical testing. Allele origin: germline.

Athena Diagnostics
Classification: Uncertain significance. Last evaluated: 2022-03-29. Review status: criteria provided, single submitter. Criteria: Athena Diagnostics Criteria. Collection method: clinical testing. Allele origin: unknown.

Center for Genomics, Ann and Robert H. Lurie Children's Hospital of Chicago
Classification: Uncertain significance for Adenylosuccinate lyase deficiency. Last evaluated: 2021-03-30. Review status: criteria provided, single submitter. Criteria: ACMG Guidelines, 2015. Collection method: clinical testing. Allele origin: germline.
Comment: ADSL NM_000026 exon 2 c.357+6C>T: This variant has not been reported in the literature but is present in 0.3% (39/10152) of Ashkenazi Jewish alleles in the Genome Aggregation Database. This variant is present in ClinVar (Variation ID:136308). Evolutionary conservation and computational predictive tools for this variant are limited or unavailable. This variant is an intronic variant with no predicted change in the amino acid sequence but may have an unknown effect on splicing. Further studies are needed to understand its impact. In summary, data on this variant is insufficient for disease classification. Therefore, the clinical significance of this variant is uncertain.

Illumina Laboratory Services, Illumina
Classification: Uncertain significance for Adenylosuccinate lyase deficiency. Last evaluated: 2018-01-13. Review status: criteria provided, single submitter. Criteria: ICSL Variant Classification Criteria 13 December 2019. Collection method: clinical testing. Allele origin: germline.

GeneDx
Classification: Benign. Last evaluated: 2013-03-19. Review status: criteria provided, single submitter. Criteria: GeneDx Variant Classification (06012015). Collection method: clinical testing. Allele origin: germline. Affected: yes.
Comment: This variant is considered likely benign or benign based on one or more of the following criteria: it is a conservative change, it occurs at a poorly conserved position in the protein, it is predicted to be benign by multiple in silico algorithms, and/or has population frequency not consistent with disease.

Dr. Peter K. Rogan Lab, Western University
No classification provided (evidence only). Condition: Gastric cancer. Review status: no classification provided. Collection method: in vitro. Allele origin: not applicable. Functional consequence: retained intron. Not counted in ClinVar's aggregate classification.

NM_000026.4(ADSL):c.357+6C>T

Gene: ADSL (adenylosuccinate lyase; plus strand). Cytogenetic location: 22q13.1.
Variant type: single nucleotide variant.
Coding change: c.357+6C>T on transcript NM_000026.4 (MANE Select); 6 bases into the intron after coding-DNA position 357, C replaced by T.
Molecular consequence: intron variant.
Genome position (GRCh38, 1-based): chr22:40,350,041, C>T. VCF-style: chr22-40350041-C-T. GRCh37 (hg19) VCF-style: chr22-40746045-C-T.
Other names: c.357+6C>T (NM_001363840.3, NM_001123378.3); c.165+6C>T (NM_001317923.2).
Identifiers: ClinVar variation 136308 (VCV000136308.21), dbSNP rs181628906, ClinGen allele CA289316.